The following is an entry in ClinVar:

ClinVar aggregate classification (germline): Likely benign. Review status: criteria provided, multiple submitters, no conflicts (2 of 4 stars). 4 submissions from 3 submitters: Likely benign (4). Last evaluated 2026-01-26.

Conditions:
Cardiovascular phenotype. Identifiers: MedGen CN230736.
Hereditary cancer-predisposing syndrome. Also called: Hereditary Cancer Syndrome; Neoplastic Syndromes, Hereditary; Tumor predisposition; Hereditary neoplastic syndrome. Identifiers: Orphanet 140162, MedGen C0027672, MeSH D009386, MONDO:0015356.
Neurofibromatosis, type 1 (NF1). Also called: Neurofibromatosis, type I; VON RECKLINGHAUSEN DISEASE; NEUROFIBROMATOSIS, TYPE I, SOMATIC; Peripheral type neurofibromatosis. Identifiers: Orphanet 636, MedGen C0027831, MONDO:0018975, OMIM 162200. Disease mechanism: loss of function.

Allele frequency attached by ClinVar (database versions not stated): gnomAD exomes below 0.00001; ExAC 0.00001; gnomAD 0.00001; TOPMed 0.00001.
gnomAD v4.1: 5 of 1,613,060 alleles (0.00031%); highest among the groups gnomAD compares: East Asian, 0.0045%; no homozygotes.

Submissions (4):

Labcorp Genetics (formerly Invitae), Labcorp
Classification: Likely benign for Neurofibromatosis, type 1. Last evaluated: 2026-01-26. Review status: criteria provided, single submitter. Criteria: Invitae Variant Classification Sherloc (09022015). Collection method: clinical testing. Allele origin: germline.

Genome-Nilou Lab
Classification: Likely benign for Neurofibromatosis, type 1. Last evaluated: 2022-03-15. Review status: criteria provided, single submitter. Criteria: ACMG Guidelines, 2015. Collection method: clinical testing. Allele origin: germline. Affected: no.

Ambry Genetics
Classification: Likely benign for Cardiovascular phenotype; Hereditary cancer-predisposing syndrome. Last evaluated: 2019-12-09. Review status: criteria provided, single submitter. Criteria: Ambry Variant Classification Scheme 2023. Collection method: clinical testing. Allele origin: germline.

Ambry Genetics
Classification: Likely benign for Hereditary cancer-predisposing syndrome. Last evaluated: 2015-07-17. Review status: criteria provided, single submitter. Criteria: Ambry Autosomal Dominant and X-Linked criteria (10/2015). Collection method: clinical testing. Allele origin: germline. Observed: 1 variant allele.
Comment: In silico models in agreement (benign);Insufficient or conflicting evidence;Rarity in general population databases (dbsnp, esp, 1000 genomes)

NM_001042492.3(NF1):c.7616-4A>G

Gene: NF1 (neurofibromin 1; plus strand). Cytogenetic location: 17q11.2.
Variant type: single nucleotide variant.
Coding change: c.7616-4A>G on transcript NM_001042492.3 (MANE Select); 4 bases into the intron before coding-DNA position 7616, A replaced by G.
Molecular consequence: intron variant.
Genome position (GRCh38, 1-based): chr17:31,356,456, A>G. VCF-style: chr17-31356456-A-G. GRCh37 (hg19) VCF-style: chr17-29683474-A-G.
Other names: c.7553-4A>G (NM_000267.4).
Identifiers: ClinVar variation 232836 (VCV000232836.13), dbSNP rs761675429, ClinGen allele CA8487630.